The following is an entry in ClinVar:

ClinVar aggregate classification (germline): Uncertain significance (1 of 4 stars; one submission).

Conditions:
Fanconi anemia (FA). Also called: Fanconi's anemia. Identifiers: Orphanet 84, MedGen C0015625, MeSH D005199, MONDO:0019391.

gnomAD v4.1: 3 of 1,609,512 alleles (0.00019%); highest among the groups gnomAD compares: Non-Finnish European, 0.00026%; no homozygotes.

Submission:

Labcorp Genetics (formerly Invitae), Labcorp
Classification: Uncertain significance for Fanconi anemia. Last evaluated: 2024-07-10. Review status: criteria provided, single submitter. Criteria: Invitae Variant Classification Sherloc (09022015). Collection method: clinical testing. Allele origin: germline.
Comment: This sequence change replaces leucine, which is neutral and non-polar, with valine, which is neutral and non-polar, at codon 254 of the FANCL protein (p.Leu254Val). This variant is not present in population databases (gnomAD no frequency). This variant has not been reported in the literature in individuals affected with FANCL-related conditions. Advanced modeling of protein sequence and biophysical properties (such as structural, functional, and spatial information, amino acid conservation, physicochemical variation, residue mobility, and thermodynamic stability) has been performed at Invitae for this missense variant, however the output from this modeling did not meet the statistical confidence thresholds required to predict the impact of this variant on FANCL protein function. In summary, the available evidence is currently insufficient to determine the role of this variant in disease. Therefore, it has been classified as a Variant of Uncertain Significance.

NM_018062.4(FANCL):c.760C>G (p.Leu254Val)

Gene: FANCL (FA complementation group L; minus strand). Cytogenetic location: 2p16.1.
Variant type: single nucleotide variant.
Coding change: c.760C>G on transcript NM_018062.4 (MANE Select); coding-DNA position 760, C replaced by G.
Protein change: p.Leu254Val; replaces leucine 254 with valine.
Molecular consequence: missense variant. On other transcripts: non-coding transcript variant (2).
Genome position (GRCh38, 1-based): chr2:58,163,449, G>C on the plus strand (C>G on the coding strand, the complement: FANCL is on the minus strand). VCF-style: chr2-58163449-G-C. GRCh37 (hg19) VCF-style: chr2-58390584-G-C.
Other names: c.775C>G, p.Leu259Val (NM_001114636.2); c.805C>G, p.Leu269Val (NM_001374615.1); c.820C>G, p.Leu274Val (NM_001410792.1); short protein forms L254V, L269V, L274V, L259V.
Identifiers: ClinVar variation 3705259 (VCV003705259.2).